The following is an entry in ClinVar:

NM_003079.5(SMARCE1):c.715C>T (p.Arg239Ter)

Gene: SMARCE1 (SWI/SNF related BAF chromatin remodeling complex subunit E1; minus strand). Cytogenetic location: 17q21.2.
Variant type: single nucleotide variant.
Coding change: c.715C>T on transcript NM_003079.5 (MANE Select); coding-DNA position 715, C replaced by T.
Protein change: p.Arg239Ter; replaces arginine 239 with a stop codon.
Molecular consequence: nonsense.
Genome position (GRCh38, 1-based): chr17:40,631,693, G>A on the plus strand (C>T on the coding strand, the complement: SMARCE1 is on the minus strand). VCF-style: chr17-40631693-G-A. GRCh37 (hg19) VCF-style: chr17-38787945-G-A.
Other names: short protein forms R239*.
Identifiers: ClinVar variation 55832 (VCV000055832.48), dbSNP rs397509405, ClinGen allele CA143945.

ClinVar aggregate classification (germline): Pathogenic. Review status: criteria provided, multiple submitters, no conflicts (2 of 4 stars). 5 submissions from 5 submitters: Pathogenic (4). 1 of the submissions does not count toward it. Last evaluated 2026-02-03.

Conditions:
SMARCE1-related disorder. Also called: SMARCE1-related condition.
Hereditary cancer-predisposing syndrome. Also called: Hereditary Cancer Syndrome; Tumor predisposition; Neoplastic Syndromes, Hereditary; Hereditary neoplastic syndrome. Identifiers: Orphanet 140162, MedGen C0027672, MeSH D009386, MONDO:0015356.
Familial meningioma. Also called: Meningioma, familial, susceptibility to. Identifiers: Orphanet 263662, MedGen C3551915, MONDO:0011789, OMIM 607174.

Submissions (5):

Labcorp Genetics (formerly Invitae), Labcorp
Classification: Pathogenic for Familial meningioma. Last evaluated: 2026-02-03. Review status: criteria provided, single submitter. Criteria: Invitae Variant Classification Sherloc (09022015). Collection method: clinical testing. Allele origin: germline.
Comment: This sequence change creates a premature translational stop signal (p.Arg239*) in the SMARCE1 gene. It is expected to result in an absent or disrupted protein product. Loss-of-function variants in SMARCE1 are known to be pathogenic (PMID: 23377182). This variant is not present in population databases (gnomAD no frequency). This premature translational stop signal has been observed in individual(s) with spinal meningiomas (PMID: 23377182). ClinVar contains an entry for this variant (Variation ID: 55832). For these reasons, this variant has been classified as Pathogenic.

Blueprint Genetics
Classification: Pathogenic for SMARCE1-related disorders. Last evaluated: 2023-11-17. Review status: criteria provided, single submitter. Criteria: ACMG Guidelines, 2015. Collection method: clinical testing. Allele origin: germline. Affected: yes. Observed: 1 variant allele.

Ambry Genetics
Classification: Pathogenic for Hereditary cancer-predisposing syndrome. Last evaluated: 2022-11-30. Review status: criteria provided, single submitter. Criteria: Ambry Variant Classification Scheme 2023. Collection method: clinical testing. Allele origin: germline.
Comment: The p.R239* variant (also known as c.715C>T), located in coding exon 8 of the SMARCE1 gene, results from a C to T substitution at nucleotide position 715. This changes the amino acid from an arginine to a stop codon within coding exon 8. This alteration has been reported in affected relatives from a family with spinal meningiomas (Smith MJ et al. Nat Genet, 2013 Mar;45:295-8; Smith MJ et al. Histopathology, 2017 Apr;70:814-820). In addition to the clinical data presented in the literature, this alteration is expected to result in loss of function by premature protein truncation or nonsense-mediated mRNA decay. Loss-of-function variants in SMARCE1 are known to cause increased risk of meningiomas; however, such associations with neurodevelopmental disorders are exceedingly rare (Kosho T et al. Am J Med Genet C Semin Med Genet. 2014 Sep;166C(3):262-75; Smith JM et al. Nat Genet. 2013 Mar;45(3):295-8). Based on the supporting evidence, this alteration is pathogenic for an increased risk of meningiomas; however, the association of this alteration with Coffin-Siris syndrome is unlikely.

CeGaT Center for Human Genetics Tuebingen
Classification: Pathogenic. Last evaluated: 2020-07-01. Review status: criteria provided, single submitter. Criteria: CeGaT Center For Human Genetics Tuebingen Variant Classification Criteria Version 2. Collection method: clinical testing. Allele origin: germline. Affected: yes. Observed: 1 variant allele.

OMIM
Classification: risk factor for MENINGIOMA, FAMILIAL, SUSCEPTIBILITY TO. Last evaluated: 2013-03-01. Review status: no assertion criteria provided. Collection method: literature only. Allele origin: germline. Not counted in ClinVar's aggregate classification.

Literature cited by the submitters: PubMed 23377182 (cited by 3 submitters); PubMed 27891692 (cited by Ambry Genetics).